The following is an entry in ClinVar:

ClinVar aggregate classification (germline): Likely pathogenic. Review status: criteria provided, multiple submitters, no conflicts (2 of 4 stars). 5 submissions from 5 submitters: Likely pathogenic (5). Last evaluated 2025-12-08.

Conditions:
Dihydropyrimidinase deficiency (DPYSD). Also called: dihydropyrimidinuria; DPH DEFICIENCY; DPYS DEFICIENCY. Identifiers: Orphanet 38874, MedGen C0342803, MONDO:0009111, OMIM 222748.

Allele frequency attached by ClinVar (database versions not stated): gnomAD below 0.00001 and 0.00003; TOPMed 0.00003.
gnomAD v4.1: 36 of 1,614,088 alleles (0.0022%); highest among the groups gnomAD compares: Middle Eastern, 0.05%; no homozygotes.

Submissions (5):

Labcorp Genetics (formerly Invitae), Labcorp
Classification: Likely pathogenic. Last evaluated: 2025-12-08. Review status: criteria provided, single submitter. Criteria: Invitae Variant Classification Sherloc (09022015). Collection method: clinical testing. Allele origin: germline.
Comment: This sequence change replaces arginine, which is basic and polar, with glutamine, which is neutral and polar, at codon 302 of the DPYS protein (p.Arg302Gln). This variant is present in population databases (rs200913682, gnomAD 0.02%). This missense change has been observed in individual(s) with dihydropyrimidinase deficiency (PMID: 20362666, 23732435, 33179229). ClinVar contains an entry for this variant (Variation ID: 631543). Invitae Evidence Modeling of protein sequence and biophysical properties (such as structural, functional, and spatial information, amino acid conservation, physicochemical variation, residue mobility, and thermodynamic stability) has been performed for this missense variant. However, the output from this modeling did not meet the statistical confidence thresholds required to predict the impact of this variant on DPYS protein function. Experimental studies have shown that this missense change affects DPYS function (PMID: 20362666, 28642038). In summary, the currently available evidence indicates that the variant is pathogenic, but additional data are needed to prove that conclusively. Therefore, this variant has been classified as Likely Pathogenic.

MGZ Medical Genetics Center
Classification: Likely pathogenic for Dihydropyrimidinase deficiency. Last evaluated: 2022-05-30. Review status: criteria provided, single submitter. Criteria: ACMG Guidelines, 2015. Collection method: clinical testing. Allele origin: germline. Affected: yes. Observed: 3 variant alleles.
Comment: ACMG criteria applied: PS4_MOD, PM1, PM2_SUP, PM3_SUP, PP1, PP2, PP3

Revvity Omics, Revvity
Classification: Likely pathogenic for Dihydropyrimidinase deficiency. Last evaluated: 2022-02-09. Review status: criteria provided, single submitter. Criteria: ACMG Guidelines, 2015. Collection method: clinical testing. Allele origin: germline.

Illumina Laboratory Services, Illumina
Classification: Likely pathogenic for Dihydropyrimidinase deficiency. Last evaluated: 2019-04-05. Review status: criteria provided, single submitter. Criteria: ICSL Variant Classification Criteria 09 May 2019. Collection method: clinical testing. Allele origin: germline.
Comment: The DPYS c.905G>A (p.Arg302Gln) missense variant has been reported in two studies in which it was identified in two individuals with dihydropyrimidinase (DHP) deficiency. Growth retardation, microcephaly, seizures, and autism were absent (van Kuilenburg et al. 2010). In this case, the variant was inherited from the patient's healthy father (Yeung et al. 2013). The p.Arg302Gln variant was absent from 240 control individuals and is reported at a frequency of 0.000195 in the South Asian population of the Genome Aggregation Database. Heterologous expression of p.Arg302Gln in E. coli and 293FT cells showed that the variant protein exhibited significantly reduced enzymatic activity and impaired oligomerization compared to wild type, although the variant had no effect on protein expression or stability (van Kuilenburg et al. 2010; Hishinuma et al. 2017). Arg302 is well conserved across DHP homologues, and structural analysis suggests that the variant could result in a conformational change of the active site (van Kuilenburg et al. 2010). Based on the collective evidence, the p.Arg302Gln variant is classified as likely pathogenic for dihydropyrimidinase deficiency. This variant was observed by ICSL as part of a predisposition screen in an ostensibly healthy population.

Juno Genomics, Hangzhou Juno Genomics, Inc
Classification: Likely pathogenic for Dihydropyrimidinase deficiency. Review status: criteria provided, single submitter. Criteria: ACMG Guidelines, 2015. Collection method: clinical testing. Allele origin: germline. Affected: yes.
Comment: Absent from controls (or at extremely low frequency if recessive) in Genome Aggregation Database, Exome Sequencing Project, 1000 Genomes Project, or Exome Aggregation Consortium.;For recessive disorders, detected in trans with a pathogenic variant.;Patient's phenotype or family history is highly specific for a disease with a single genetic etiology.;Well-established in vitro or in vivo functional studies supportive of a damaging effect on the gene or gene product.

Literature cited by the submitters: PubMed 20362666 (cited by Labcorp Genetics (formerly Invitae), Labcorp and Illumina Laboratory Services, Illumina); PubMed 23732435 (cited by Labcorp Genetics (formerly Invitae), Labcorp and Illumina Laboratory Services, Illumina); PubMed 33179229 (cited by Labcorp Genetics (formerly Invitae), Labcorp); PubMed 28642038 (cited by Labcorp Genetics (formerly Invitae), Labcorp and Illumina Laboratory Services, Illumina).

NM_001385.3(DPYS):c.905G>A (p.Arg302Gln)

Gene: DPYS (dihydropyrimidinase; minus strand). Cytogenetic location: 8q22.3.
Variant type: single nucleotide variant.
Coding change: c.905G>A on transcript NM_001385.3 (MANE Select); coding-DNA position 905, G replaced by A.
Protein change: p.Arg302Gln; replaces arginine 302 with glutamine.
Molecular consequence: missense variant.
Genome position (GRCh38, 1-based): chr8:104,429,590, C>T on the plus strand (G>A on the coding strand, the complement: DPYS is on the minus strand). VCF-style: chr8-104429590-C-T. GRCh37 (hg19) VCF-style: chr8-105441818-C-T.
Other names: short protein forms R302Q.
Identifiers: ClinVar variation 631543 (VCV000631543.15), dbSNP rs200913682, ClinGen allele CA4838432.